The following is an entry in ClinVar:

ClinVar aggregate classification (germline): Conflicting classifications of pathogenicity. Review status: criteria provided, conflicting classifications (1 of 4 stars). 4 submissions from 4 submitters: Uncertain significance (1); Benign (1); Likely benign (1). 1 of the submissions does not count toward it. Last evaluated 2025-12-08.

Conditions:
AMT-related disorder. Also called: AMT-related condition.
Glycine encephalopathy. Also called: Non-ketotic hyperglycinemia; Nonketotic hyperglycinemia. Identifiers: Orphanet 407, MedGen C0751748, MONDO:0011612, HP:0008288.

Allele frequency attached by ClinVar (database versions not stated): gnomAD below 0.00001 and 0.00002; TOPMed 0.00001; gnomAD exomes 0.00004 and 0.00009; ExAC 0.00011; 1000 Genomes Project 30x 0.00016; 1000 Genomes Project 0.00020.
gnomAD v4.1: 60 of 1,614,088 alleles (0.0037%); highest among the groups gnomAD compares: South Asian, 0.057%; 1 homozygote.

Submissions (4):

Labcorp Genetics (formerly Invitae), Labcorp
Classification: Benign for Glycine encephalopathy. Last evaluated: 2025-12-08. Review status: criteria provided, single submitter. Criteria: Invitae Variant Classification Sherloc (09022015). Collection method: clinical testing. Allele origin: germline.

Blueprint Genetics
Classification: Likely benign. Last evaluated: 2024-11-11. Review status: criteria provided, single submitter. Criteria: ACMG Guidelines, 2015. Collection method: clinical testing. Allele origin: germline.

Illumina Laboratory Services, Illumina
Classification: Uncertain significance for Glycine encephalopathy 1. Last evaluated: 2018-01-13. Review status: criteria provided, single submitter. Criteria: ICSL Variant Classification Criteria 13 December 2019. Collection method: clinical testing. Allele origin: germline.

PreventionGenetics, part of Exact Sciences
Classification: Likely benign for AMT-related condition. Last evaluated: 2019-04-15. Review status: no assertion criteria provided. Collection method: clinical testing. Allele origin: germline. Not counted in ClinVar's aggregate classification.
Comment: This variant is classified as likely benign based on ACMG/AMP sequence variant interpretation guidelines (Richards et al. 2015 PMID: 25741868, with internal and published modifications).

NM_000481.4(AMT):c.513C>T (p.Gly171=)

Gene: AMT (aminomethyltransferase; minus strand). Cytogenetic location: 3p21.31.
Variant type: single nucleotide variant.
Coding change: c.513C>T on transcript NM_000481.4 (MANE Select); coding-DNA position 513, C replaced by T.
Protein change: p.Gly171=; no amino-acid change (glycine 171 retained).
Molecular consequence: synonymous variant. On other transcripts: non-coding transcript variant (1).
Genome position (GRCh38, 1-based): chr3:49,419,747, G>A on the plus strand (C>T on the coding strand, the complement: AMT is on the minus strand). VCF-style: chr3-49419747-G-A. GRCh37 (hg19) VCF-style: chr3-49457180-G-A.
Other names: c.381C>T, p.Gly127= (NM_001164710.2); c.345C>T, p.Gly115= (NM_001164711.2); c.513C>T, p.Gly171= (NM_001164712.2).
Identifiers: ClinVar variation 346032 (VCV000346032.16), dbSNP rs555045517, ClinGen allele CA2398338.